The following is an entry in ClinVar:

ClinVar aggregate classification (germline): Conflicting classifications of pathogenicity. Review status: criteria provided, conflicting classifications (1 of 4 stars). 2 submissions from 2 submitters: Uncertain significance (1); Likely benign (1). Last evaluated 2026-06-04.

Conditions:
Renal cell carcinoma. Identifiers: Orphanet 217071, MedGen C0007134, MeSH D002292, MONDO:0005086, HP:0005584.
Hereditary cancer-predisposing syndrome. Also called: Tumor predisposition; Hereditary Cancer Syndrome; Neoplastic Syndromes, Hereditary; Hereditary neoplastic syndrome. Identifiers: Orphanet 140162, MedGen C0027672, MeSH D009386, MONDO:0015356.

Allele frequency attached by ClinVar (database versions not stated): gnomAD 0.00001; gnomAD exomes 0.00001 and below 0.00001; TOPMed below 0.00001; ExAC 0.00001.
gnomAD v4.1: 14 of 1,613,954 alleles (0.00087%); highest among the groups gnomAD compares: Non-Finnish European, 0.0011%; no homozygotes.

Submissions (2):

Ambry Genetics
Classification: Likely benign for Hereditary cancer-predisposing syndrome. Last evaluated: 2026-06-04. Review status: criteria provided, single submitter. Criteria: Ambry Variant Classification Scheme 2023. Collection method: clinical testing. Allele origin: germline.

Labcorp Genetics (formerly Invitae), Labcorp
Classification: Uncertain significance for Renal cell carcinoma. Last evaluated: 2025-12-29. Review status: criteria provided, single submitter. Criteria: Invitae Variant Classification Sherloc (09022015). Collection method: clinical testing. Allele origin: germline.
Comment: This sequence change replaces serine, which is neutral and polar, with asparagine, which is neutral and polar, at codon 103 of the MET protein (p.Ser103Asn). This variant is present in population databases (rs768675699, gnomAD 0.0008%). This variant has not been reported in the literature in individuals affected with MET-related conditions. ClinVar contains an entry for this variant (Variation ID: 657842). Invitae Evidence Modeling of protein sequence and biophysical properties (such as structural, functional, and spatial information, amino acid conservation, physicochemical variation, residue mobility, and thermodynamic stability) indicates that this missense variant is not expected to disrupt MET protein function with a negative predictive value of 80%. In summary, the available evidence is currently insufficient to determine the role of this variant in disease. Therefore, it has been classified as a Variant of Uncertain Significance.

NM_000245.4(MET):c.308G>A (p.Ser103Asn)

Gene: MET (MET proto-oncogene, receptor tyrosine kinase; plus strand). Cytogenetic location: 7q31.2.
Variant type: single nucleotide variant.
Coding change: c.308G>A on transcript NM_000245.4 (MANE Select); coding-DNA position 308, G replaced by A.
Protein change: p.Ser103Asn; replaces serine 103 with asparagine.
Molecular consequence: missense variant. On other transcripts: intron variant (1).
Genome position (GRCh38, 1-based): chr7:116,699,392, G>A. VCF-style: chr7-116699392-G-A. GRCh37 (hg19) VCF-style: chr7-116339446-G-A.
Other names: c.308G>A, p.Ser103Asn (NM_001127500.3, NM_001324401.3); c.-91+26815G>A (NM_001324402.2); short protein forms S103N.
Identifiers: ClinVar variation 657842 (VCV000657842.14), dbSNP rs768675699, ClinGen allele CA4447974.
Genomic context (GRCh38, chr7:116,699,392, plus strand): 5'-AGTACAAGACTGGGCCTGTGCTGGAACACCCAGATTGTTTCCCATGTCAGGACTGCAGCA[G>A]CAAAGCCAATTTATCAGGAGGTGTTTGGAAAGATAACATCAACATGGCTCTAGTTGTCGA-3'
Protein context (NP_000236.2, residues 93-113): PDCFPCQDCS[Ser103Asn]KANLSGGVWK